The following is an entry in ClinVar:

ClinVar aggregate classification (germline): Uncertain significance (1 of 4 stars; one submission).

Conditions:
Cardiac arrhythmia. Also called: Arrhythmia; Cardiac rhythm disease. Identifiers: MedGen C0003811, MONDO:0007263, HP:0011675.

Submission:

Labcorp Genetics (formerly Invitae), Labcorp
Classification: Uncertain significance for Cardiac arrhythmia. Last evaluated: 2022-08-23. Review status: criteria provided, single submitter. Criteria: Invitae Variant Classification Sherloc (09022015). Collection method: clinical testing. Allele origin: germline.
Comment: This sequence change creates a premature translational stop signal (p.Pro147Leufs*26) in the RANGRF gene. While this is not anticipated to result in nonsense mediated decay, it is expected to disrupt the last 40 amino acid(s) of the RANGRF protein. In summary, the available evidence is currently insufficient to determine the role of this variant in disease. Therefore, it has been classified as a Variant of Uncertain Significance. Algorithms developed to predict the effect of sequence changes on RNA splicing suggest that this variant may disrupt the consensus splice site. ClinVar contains an entry for this variant (Variation ID: 1522246). This variant has not been reported in the literature in individuals affected with RANGRF-related conditions. This variant is not present in population databases (gnomAD no frequency).

NM_016492.5(RANGRF):c.437delC (p.Pro147fs)

Genes: SLC25A35 (solute carrier family 25 member 35; minus strand), RANGRF (RAN guanine nucleotide release factor; plus strand). Cytogenetic location: 17p13.1.
Variant type: Deletion.
Coding change: c.437delC on transcript NM_016492.5 (MANE Select); coding-DNA position 437, one base deleted (C).
Protein change: p.Pro147fs; shifts the reading frame from proline 147.
Molecular consequence: frameshift variant. On other transcripts: 3 prime UTR variant (4), non-coding transcript variant (2), intron variant (1).
Genome position (GRCh38, 1-based): chr17:8,289,588, C deleted; the last of 5 consecutive C bases (chr17:8,289,584-8,289,588); deleting any one gives the same sequence. VCF-style (leftmost placement, unchanged base first): chr17-8289583-GC-G. GRCh37 (hg19) VCF-style: chr17-8192901-GC-G.
Other names: c.437del, p.Pro146fs (NM_001177801.2); c.*27del (NM_001177802.2); c.*32del (NM_001320871.2, NM_001320872.2, NM_201520.3); c.351+174del (NM_001330127.2); short protein forms P146fs, P147fs.
Identifiers: ClinVar variation 1522246 (VCV001522246.7), dbSNP rs2151610404, ClinGen allele CA2573154579.